The following is an entry in ClinVar:

ClinVar aggregate classification (germline): Benign/Likely benign. Review status: criteria provided, multiple submitters, no conflicts (2 of 4 stars). 14 submissions from 11 submitters: Benign (9); Likely benign (1). 4 of the submissions do not count toward it. Last evaluated 2026-02-03.

Conditions:
Dilated cardiomyopathy 1G (CMD1G). Identifiers: Orphanet 154, MedGen C1858763, MONDO:0011400, OMIM 604145.
Autosomal recessive limb-girdle muscular dystrophy type 2J (LGMDR10). Also called: Limb-girdle muscular dystrophy, type 2J; MUSCULAR DYSTROPHY, LIMB-GIRDLE, AUTOSOMAL RECESSIVE 10. Identifiers: Orphanet 140922, MedGen C1837342, MONDO:0012127, OMIM 608807.
Early-onset myopathy with fatal cardiomyopathy (CMYO5). Also called: Salih Myopathy; CONGENITAL MYOPATHY 5 WITH CARDIOMYOPATHY. Identifiers: Orphanet 289377, MedGen C2673677, MONDO:0012714, OMIM 611705. Disease mechanism: loss of function.
Myopathy, myofibrillar, 9, with early respiratory failure (MFM9). Also called: MYOPATHY, PROXIMAL, WITH EARLY RESPIRATORY MUSCLE INVOLVEMENT; EDSTROM MYOPATHY; Hereditary myopathy with early respiratory failure; Myopathy, distal, with early respiratory failure, autosomal dominant. Identifiers: Orphanet 178464, Orphanet 34521, MedGen C1863599, MONDO:0011362, OMIM 603689.
Tibial muscular dystrophy (TMD). Also called: UDD MYOPATHY; Tibial muscular dystrophy, tardive; Udd Distal Myopathy – Tibial Muscular Dystrophy. Identifiers: Orphanet 609, MedGen C1838244, MONDO:0010870, OMIM 600334.

Allele frequency attached by ClinVar (database versions not stated): gnomAD exomes 0.00423 and 0.00244; TOPMed 0.00125; gnomAD 0.00203 and 0.00124; 1000 Genomes Project 0.00599; ESP Exome Variant Server 0.00161; ExAC 0.00476; 1000 Genomes Project 30x 0.00578.
gnomAD v4.1: 3,919 of 1,613,852 alleles (0.24%); highest among the groups gnomAD compares: South Asian, 2.2%; 59 homozygotes.

Submissions (14):

Labcorp Genetics (formerly Invitae), Labcorp
Classification: Benign for Dilated cardiomyopathy 1G; Autosomal recessive limb-girdle muscular dystrophy type 2J. Last evaluated: 2026-02-03. Review status: criteria provided, single submitter. Criteria: Invitae Variant Classification Sherloc (09022015). Collection method: clinical testing. Allele origin: germline.

Genomic Medicine Center of Excellence, King Faisal Specialist Hospital and Research Centre
Classification: Likely benign. Last evaluated: 2025-08-18. Review status: criteria provided, single submitter. Criteria: ACMG Guidelines, 2015. Collection method: clinical testing. Allele origin: germline.

ARUP Laboratories, Molecular Genetics and Genomics, ARUP Laboratories
Classification: Benign. Last evaluated: 2025-06-23. Review status: criteria provided, single submitter. Criteria: ARUP Molecular Germline Variant Investigation Process 2024. Collection method: clinical testing. Allele origin: germline.

Genome-Nilou Lab
Classification: Benign for Autosomal recessive limb-girdle muscular dystrophy type 2J. Last evaluated: 2021-09-10. Review status: criteria provided, single submitter. Criteria: ACMG Guidelines, 2015. Collection method: clinical testing. Allele origin: germline. Affected: no.

Genome-Nilou Lab
Classification: Benign for Myopathy, myofibrillar, 9, with early respiratory failure. Last evaluated: 2021-09-10. Review status: criteria provided, single submitter. Criteria: ACMG Guidelines, 2015. Collection method: clinical testing. Allele origin: germline. Affected: no.

Genome-Nilou Lab
Classification: Benign for Early-onset myopathy with fatal cardiomyopathy. Last evaluated: 2021-09-10. Review status: criteria provided, single submitter. Criteria: ACMG Guidelines, 2015. Collection method: clinical testing. Allele origin: germline. Affected: no.

Genome-Nilou Lab
Classification: Benign for Tibial muscular dystrophy. Last evaluated: 2021-09-10. Review status: criteria provided, single submitter. Criteria: ACMG Guidelines, 2015. Collection method: clinical testing. Allele origin: germline. Affected: no.

Women's Health and Genetics/Laboratory Corporation of America, LabCorp
Classification: Benign. Last evaluated: 2019-10-08. Review status: criteria provided, single submitter. Criteria: LabCorp Variant Classification Summary - May 2015. Collection method: clinical testing. Allele origin: germline.
Comment: Variant summary: TTN c.1398+16C>T alters a non-conserved nucleotide located close to a canonical splice site and therefore could affect mRNA splicing, leading to a significantly altered protein sequence. 5/5 computational tools predict no significant impact on normal splicing. However, these predictions have yet to be confirmed by functional studies. The variant allele was found at a frequency of 0.0042 in 250880 control chromosomes, predominantly at a frequency of 0.023 within the South Asian subpopulation in the gnomAD database, including 14 homozygotes. The observed variant frequency within South Asian control individuals in the gnomAD database is approximately 37-folds over the estimated maximal expected allele frequency for a pathogenic variant in TTN causing Cardiomyopathy phenotype (0.00063), strongly suggesting that the variant is a benign polymorphism found primarily in populations of South Asian origin. No clinical diagnostic laboratories have submitted clinical-significance assessments for this variant to ClinVar after 2014. Based on the evidence outlined above, the variant was classified as benign.

GeneDx
Classification: Benign. Last evaluated: 2014-04-29. Review status: criteria provided, single submitter. Criteria: GeneDx Variant Classification (06012015). Collection method: clinical testing. Allele origin: germline. Affected: yes.
Comment: This variant is considered likely benign or benign based on one or more of the following criteria: it is a conservative change, it occurs at a poorly conserved position in the protein, it is predicted to be benign by multiple in silico algorithms, and/or has population frequency not consistent with disease.

Breakthrough Genomics
Classification: Benign. Review status: criteria provided, single submitter. Criteria: ACMG Guidelines, 2015. Collection method: not provided. Allele origin: germline. Inheritance: Autosomal recessive inheritance. Affected: yes.

Clinical Genetics DNA and cytogenetics Diagnostics Lab, Erasmus MC, Erasmus Medical Center
Classification: Benign. Review status: no assertion criteria provided. Collection method: clinical testing. Allele origin: germline. Affected: yes. Study: VKGL Data-share Consensus. Not counted in ClinVar's aggregate classification.

Clinical Genetics, Academic Medical Center
Classification: Benign. Review status: no assertion criteria provided. Collection method: clinical testing. Allele origin: germline. Affected: yes. Study: VKGL Data-share Consensus. Not counted in ClinVar's aggregate classification.

Diagnostic Laboratory, Department of Genetics, University Medical Center Groningen
Classification: Likely benign. Review status: no assertion criteria provided. Collection method: clinical testing. Allele origin: germline. Affected: yes. Study: VKGL Data-share Consensus. Not counted in ClinVar's aggregate classification.

Laboratory of Diagnostic Genome Analysis, Leiden University Medical Center (LUMC)
Classification: Likely benign. Review status: no assertion criteria provided. Collection method: clinical testing. Allele origin: germline. Affected: yes. Study: VKGL Data-share Consensus. Not counted in ClinVar's aggregate classification.

NM_001267550.2(TTN):c.1398+16C>T

Gene: TTN (titin; minus strand). Cytogenetic location: 2q31.2.
Variant type: single nucleotide variant.
Coding change: c.1398+16C>T on transcript NM_001267550.2 (MANE Select); 16 bases into the intron after coding-DNA position 1398, C replaced by T.
Molecular consequence: intron variant.
Genome position (GRCh38, 1-based): chr2:178,794,383, G>A on the plus strand (C>T on the coding strand, the complement: TTN is on the minus strand). VCF-style: chr2-178794383-G-A. GRCh37 (hg19) VCF-style: chr2-179659110-G-A.
Other names: c.1398+16C>T (NM_003319.4, NM_133437.4, NM_133432.3 and 3 more transcripts).
Identifiers: ClinVar variation 137784 (VCV000137784.31), dbSNP rs144043280, ClinGen allele CA291446.